The following is an entry in ClinVar:

ClinVar aggregate classification (germline): Pathogenic (1 of 4 stars; one submission).

Conditions:
Hypercholesterolemia, familial, 4 (FHCL4). Also called: HYPERCHOLESTEROLEMIA, AUTOSOMAL RECESSIVE, 1; HYPERCHOLESTEROLEMIA, AUTOSOMAL RECESSIVE, 2. Identifiers: Orphanet 391665, MedGen C1863512, MONDO:0011374, OMIM 603813.

Submission:

Labcorp Genetics (formerly Invitae), Labcorp
Classification: Pathogenic for Hypercholesterolemia, familial, 4. Last evaluated: 2022-08-19. Review status: criteria provided, single submitter. Criteria: Invitae Variant Classification Sherloc (09022015). Collection method: clinical testing. Allele origin: germline.
Comment: For these reasons, this variant has been classified as Pathogenic. This sequence change creates a premature translational stop signal (p.Asp101Thrfs*60) in the LDLRAP1 gene. It is expected to result in an absent or disrupted protein product. Loss-of-function variants in LDLRAP1 are known to be pathogenic (PMID: 11326085, 12464675). This variant is not present in population databases (gnomAD no frequency). This variant has not been reported in the literature in individuals affected with LDLRAP1-related conditions.

Literature cited by the submitters: PubMed 11326085; PubMed 12464675.

NM_015627.3(LDLRAP1):c.301_304del (p.Asp101fs)

Gene: LDLRAP1 (low density lipoprotein receptor adaptor protein 1; plus strand). Cytogenetic location: 1p36.11.
Variant type: Microsatellite.
Coding change: c.301_304del on transcript NM_015627.3 (MANE Select); coding-DNA positions 301 to 304, 4 bases deleted (GACA; older notation c.301_304delGACA).
Protein change: p.Asp101fs; shifts the reading frame from aspartic acid 101.
Molecular consequence: frameshift variant.
Genome position (GRCh38, 1-based): chr1:25,554,929-25,554,932, GACA deleted; deleting any 4 consecutive bases within chr1:25,554,925-25,554,932 gives the same sequence; the c. name uses the placement nearest the transcript's 3' end. VCF-style (leftmost placement, unchanged base first): chr1-25554924-TGACA-T. GRCh37 (hg19) VCF-style: chr1-25881415-TGACA-T.
Other names: short protein forms D101fs.
Identifiers: ClinVar variation 2154296 (VCV002154296.4), dbSNP rs2044164295, ClinGen allele CA1159701486.